The following is an entry in ClinVar:

NM_021803.4(IL21):c.425C>T (p.Ser142Leu)

Gene: IL21 (interleukin 21; minus strand). Cytogenetic location: 4q27.
Variant type: single nucleotide variant.
Coding change: c.425C>T on transcript NM_021803.4 (MANE Select); coding-DNA position 425, C replaced by T.
Protein change: p.Ser142Leu; replaces serine 142 with leucine.
Molecular consequence: missense variant.
Genome position (GRCh38, 1-based): chr4:122,612,864, G>A on the plus strand (C>T on the coding strand, the complement: IL21 is on the minus strand). VCF-style: chr4-122612864-G-A. GRCh37 (hg19) VCF-style: chr4-123534019-G-A.
Other names: c.425C>T, p.Ser142Leu (NM_001207006.3); short protein forms S142L.
Identifiers: ClinVar variation 2798329 (VCV002798329.3), dbSNP rs1432088767, ClinGen allele CA358220968.

ClinVar aggregate classification (germline): Uncertain significance (1 of 4 stars; one submission).

Allele frequency attached by ClinVar (database versions not stated): gnomAD exomes 0.00001.

Submission:

Labcorp Genetics (formerly Invitae), Labcorp
Classification: Uncertain significance. Last evaluated: 2024-01-10. Review status: criteria provided, single submitter. Criteria: Invitae Variant Classification Sherloc (09022015). Collection method: clinical testing. Allele origin: germline.
Comment: This sequence change replaces serine, which is neutral and polar, with leucine, which is neutral and non-polar, at codon 142 of the IL21 protein (p.Ser142Leu). This variant is present in population databases (no rsID available, gnomAD 0.0009%). This variant has not been reported in the literature in individuals affected with IL21-related conditions. An algorithm developed to predict the effect of missense changes on protein structure and function (PolyPhen-2) suggests that this variant is likely to be tolerated. In summary, the available evidence is currently insufficient to determine the role of this variant in disease. Therefore, it has been classified as a Variant of Uncertain Significance.